The following is an entry in ClinVar:

ClinVar aggregate classification (germline): Uncertain significance (1 of 4 stars; one submission).

Conditions:
Inborn genetic diseases. Identifiers: MedGen C0950123, MeSH D030342.

Allele frequency attached by ClinVar (database versions not stated): gnomAD exomes below 0.00001.
gnomAD v4.1: 1 of 1,613,800 alleles (0.000062%); highest among the groups gnomAD compares: East Asian, 0.0022%; no homozygotes.

Submission:

Ambry Genetics
Classification: Uncertain significance for Inborn genetic diseases. Last evaluated: 2023-06-24. Review status: criteria provided, single submitter. Criteria: Ambry Variant Classification Scheme 2023. Collection method: clinical testing. Allele origin: germline.
Comment: The p.Y291H variant (also known as c.871T>C), located in coding exon 4 of the ATR gene, results from a T to C substitution at nucleotide position 871. The tyrosine at codon 291 is replaced by histidine, an amino acid with similar properties. This amino acid position is conserved. In addition, the in silico prediction for this alteration is inconclusive. Since supporting evidence is limited at this time, the clinical significance of this alteration remains unclear.

NM_001184.4(ATR):c.871T>C (p.Tyr291His)

Gene: ATR (ATR checkpoint kinase; minus strand). Cytogenetic location: 3q23.
Variant type: single nucleotide variant.
Coding change: c.871T>C on transcript NM_001184.4 (MANE Select); coding-DNA position 871, T replaced by C.
Protein change: p.Tyr291His; replaces tyrosine 291 with histidine.
Molecular consequence: missense variant.
Genome position (GRCh38, 1-based): chr3:142,562,531, A>G on the plus strand (T>C on the coding strand, the complement: ATR is on the minus strand). VCF-style: chr3-142562531-A-G. GRCh37 (hg19) VCF-style: chr3-142281373-A-G.
Other names: c.871T>C, p.Tyr291His (NM_001354579.2); short protein forms Y291H.
Identifiers: ClinVar variation 2587548 (VCV002587548.2), dbSNP rs2473426690, ClinGen allele CA354825123.
Genomic context (GRCh38, chr3:142,562,531, plus strand): 5'-TATAAGCTTCTGCTTCAAAGGGAAATAGTGTCTTTATCAGCTTTGATAATGGCTCTTCAT[A>G]GAGTTTCAATTGGTCAGTATCCATTTCTACAAGGTGTTTTAATAATTCCAAAAATGAGCT-3'
Protein context (NP_001175.2, residues 281-301): VEMDTDQLKL[Tyr291His]EEPLSKLIKT